The following is an entry in ClinVar:

NM_000048.4(ASL):c.545G>A (p.Arg182Gln)

Gene: ASL (argininosuccinate lyase; plus strand). Cytogenetic location: 7q11.21.
Variant type: single nucleotide variant.
Coding change: c.545G>A on transcript NM_000048.4 (MANE Select); coding-DNA position 545, G replaced by A.
Protein change: p.Arg182Gln; replaces arginine 182 with glutamine.
Molecular consequence: missense variant. On other transcripts: intron variant (1).
Genome position (GRCh38, 1-based): chr7:66,086,764, G>A. VCF-style: chr7-66086764-G-A. GRCh37 (hg19) VCF-style: chr7-65551751-G-A.
Other names: c.545G>A, p.Arg182Gln (NM_001024943.2, NM_001024944.2); c.524+102G>A (NM_001024946.2); short protein forms R182Q.
Identifiers: ClinVar variation 203613 (VCV000203613.22), dbSNP rs751590073, ClinGen allele CA312323.

ClinVar aggregate classification (germline): Pathogenic/Likely pathogenic. Review status: criteria provided, multiple submitters, no conflicts (2 of 4 stars). 11 submissions from 11 submitters: Pathogenic (6); Likely pathogenic (4). 1 of the submissions does not count toward it. Last evaluated 2025-12-04.

Conditions:
ASL-related disorder. Also called: ASL-related condition.
Argininosuccinate lyase deficiency. Also called: ARGININOSUCCINIC ACID LYASE DEFICIENCY; ASL DEFICIENCY; Argininosuccinic aciduria. Identifiers: Orphanet 23, MedGen C0268547, MONDO:0008815, OMIM 207900, HP:0025630.

Allele frequency attached by ClinVar (database versions not stated): gnomAD 0.00001; gnomAD exomes 0.00002 and 0.00004; TOPMed 0.00002; ExAC 0.00006.
gnomAD v4.1: 54 of 1,603,044 alleles (0.0034%); highest among the groups gnomAD compares: Non-Finnish European, 0.0043%; no homozygotes.

Submissions (11):

PreventionGenetics, part of Exact Sciences
Classification: Pathogenic for ASL-related condition. Last evaluated: 2025-12-04. Review status: criteria provided, single submitter. Criteria: ACMG Guidelines, 2015. Collection method: clinical testing. Allele origin: germline.
Comment: The ASL c.545G>A variant is predicted to result in the amino acid substitution p.Arg182Gln. This variant has been reported with a second ASL variant in several individuals with argininosuccinate lyase deficiency (Linnebank et al. 2002. PubMed ID: 12384776; Trevisson et al. 2009. PubMed ID: 19703900; Supp. Table 2. Balmer et al. 2013. PubMed ID: 24166829). Yeast complementation assays indicate this variant impacts protein function (Trevisson et al. 2009. PubMed ID: 19703900).This variant is reported in 0.0044% of alleles in individuals of African descent in gnomAD. This variant is interpreted as pathogenic.

Natera, Inc.
Classification: Likely pathogenic for Argininosuccinate lyase deficiency. Last evaluated: 2025-11-05. Review status: criteria provided, single submitter. Criteria: Natera Variant Classification Schema (03/2026). Collection method: clinical testing. Allele origin: germline.
Comment: The c.545G>A variant in ASL is a missense variant predicted to cause substitution of arginine to glutamine at amino acid 182. This variant is rare in the general population with a frequency below the threshold expected for the associated phenotype(s). This variant has been observed in one or more individuals affected with the associated recessive disease, as either homozygous or compound heterozygous with a second variant (PMID: 24166829, 31056765, 29773863). Computational prediction algorithms indicate this variant is likely to affect gene or protein function. Given the available evidence, this variant is classified as Likely Pathogenic.

Labcorp Genetics (formerly Invitae), Labcorp
Classification: Pathogenic for Argininosuccinate lyase deficiency. Last evaluated: 2024-09-26. Review status: criteria provided, single submitter. Criteria: Invitae Variant Classification Sherloc (09022015). Collection method: clinical testing. Allele origin: germline.
Comment: This sequence change replaces arginine, which is basic and polar, with glutamine, which is neutral and polar, at codon 182 of the ASL protein (p.Arg182Gln). This variant is present in population databases (rs751590073, gnomAD 0.005%). This missense change has been observed in individual(s) with argininosuccinate lyase deficiency (PMID: 19703900, 24166829; RQ355872, internal data). In at least one individual the data is consistent with being in trans (on the opposite chromosome) from a pathogenic variant. ClinVar contains an entry for this variant (Variation ID: 203613). Invitae Evidence Modeling of protein sequence and biophysical properties (such as structural, functional, and spatial information, amino acid conservation, physicochemical variation, residue mobility, and thermodynamic stability) indicates that this missense variant is expected to disrupt ASL protein function with a positive predictive value of 95%. Experimental studies have shown that this missense change affects ASL function (PMID: 19703900). For these reasons, this variant has been classified as Pathogenic.

Baylor Genetics
Classification: Likely pathogenic for Argininosuccinate lyase deficiency. Last evaluated: 2024-03-28. Review status: criteria provided, single submitter. Criteria: ACMG Guidelines, 2015. Collection method: clinical testing. Allele origin: unknown.

Fulgent Genetics
Classification: Pathogenic for Argininosuccinate lyase deficiency. Last evaluated: 2024-03-06. Review status: criteria provided, single submitter. Criteria: ACMG Guidelines, 2015. Collection method: clinical testing. Allele origin: germline.

Greenwood Genetic Center Diagnostic Laboratories, Greenwood Genetic Center
Classification: Pathogenic for Argininosuccinate lyase deficiency. Last evaluated: 2023-02-16. Review status: criteria provided, single submitter. Criteria: ACMG Guidelines, 2015. Collection method: clinical testing. Allele origin: germline. Affected: yes.
Comment: PS3, PM3, PM2, PM1, PP3

Blueprint Genetics
Classification: Likely pathogenic for ASL-related disorders. Last evaluated: 2023-02-10. Review status: criteria provided, single submitter. Criteria: ACMG Guidelines, 2015. Collection method: clinical testing. Allele origin: germline. Affected: yes. Observed: 2 variant alleles.

Revvity Omics, Revvity
Classification: Likely pathogenic for Argininosuccinate lyase deficiency. Last evaluated: 2022-02-04. Review status: criteria provided, single submitter. Criteria: ACMG Guidelines, 2015. Collection method: clinical testing. Allele origin: germline.

Knight Diagnostic Laboratories, Oregon Health and Sciences University
Classification: Pathogenic for Argininosuccinate lyase deficiency. Last evaluated: 2015-12-04. Review status: criteria provided, single submitter. Criteria: ACMG Guidelines, 2015. Collection method: clinical testing. Allele origin: germline. Affected: no. Study: CSER-NextGen.
Comment: The c.545G>A (p.Arg182Gln) missense variant in the ASL gene has been previously reported in one affected individual with autosomal recessive Argininosuccinic aciduria. The affected individual harbored this missense variant in trans with a canonical splice site variant (IVS5+1G>A) reported to cause a premature protein truncation (Linnebank et al., 2002). Cultured fibroblast from this individual showed the enzyme activity of ASL was less than 2% relative to controls (Linnebank et al., 2002). The c.545G>A variant is located within a mutational hotspot which includes exons 5, 6, and 8 (Linnebank et al., 2002). Functional studies using a yeast complementation assay conclude the Arg182Gln variant is unable to complement relative to controls (Trevisson et al., 2009). The c.545G>A variant has been reported at low frequencies in the three control population databases (Exome Sequencing Project [ESP], 1000 Genomes, and ExAc) and multiple lines of computation evidence suggest a deleterious effect (GERP = 5.65; CADD = 34; polyPhen = 0.997; SIFT = 0). In addition, this variant has been reported as pathogenic in ClinVar by another clinical laboratory. Therefore, this collective evidence supports the classification of the c.545G>A (p.Arg182Gln) as a recessive Pathogenic variant for Argininosuccinic aciduria.

CENTOGENE GmbH and LLC - Guiding Precision Medicine
Classification: Pathogenic for Argininosuccinic aciduria. Review status: criteria provided, single submitter. Criteria: ACMG Guidelines, 2015. Collection method: clinical testing. Allele origin: germline. Affected: yes.

Counsyl
Classification: Likely pathogenic for Argininosuccinate lyase deficiency. Last evaluated: 2017-08-24. Review status: no assertion criteria provided. Collection method: clinical testing. Allele origin: unknown. Not counted in ClinVar's aggregate classification.

Literature cited by the submitters: PubMed 24166829 (cited by 3 submitters); PubMed 31056765 (cited by Natera, Inc.); PubMed 29773863 (cited by Natera, Inc.); PubMed 19703900 (cited by Labcorp Genetics (formerly Invitae), Labcorp and Counsyl); PubMed 355872 (cited by Labcorp Genetics (formerly Invitae), Labcorp); PubMed 12384776 (cited by Counsyl); PubMed 21744316 (cited by Counsyl).